The following is an entry in ClinVar:

NM_017882.3(CLN6):c.339G>A (p.Thr113=)

Gene: CLN6 (CLN6 transmembrane ER protein; minus strand). Cytogenetic location: 15q23.
Variant type: single nucleotide variant.
Coding change: c.339G>A on transcript NM_017882.3 (MANE Select); coding-DNA position 339, G replaced by A.
Protein change: p.Thr113=; no amino-acid change (threonine 113 retained).
Molecular consequence: synonymous variant.
Genome position (GRCh38, 1-based): chr15:68,211,822, C>T on the plus strand (G>A on the coding strand, the complement: CLN6 is on the minus strand). VCF-style: chr15-68211822-C-T. GRCh37 (hg19) VCF-style: chr15-68504160-C-T.
Other names: p.T113T:ACG>ACA.
Identifiers: ClinVar variation 136797 (VCV000136797.25), dbSNP rs146135801, ClinGen allele CA290143.

ClinVar aggregate classification (germline): Conflicting classifications of pathogenicity. Review status: criteria provided, conflicting classifications (1 of 4 stars). 8 submissions from 8 submitters: Uncertain significance (1); Benign (3); Likely benign (4). Last evaluated 2026-06-10.

Conditions:
CLN6-related disorder. Also called: CLN6-related condition.
Inborn genetic diseases. Identifiers: MedGen C0950123, MeSH D030342.
Neuronal ceroid lipofuscinosis. Also called: Neuronal Ceroid Lipofuscinoses. Identifiers: Orphanet 216, Orphanet 79263, MedGen C0027877, MONDO:0016295. Disease mechanism: loss of function.

Allele frequency attached by ClinVar (database versions not stated): 1000 Genomes Project 30x 0.00031; ExAC 0.00031; gnomAD exomes 0.00034; 1000 Genomes Project 0.00040; gnomAD 0.00133 and 0.00141; TOPMed 0.00147; ESP Exome Variant Server 0.00154.
gnomAD v4.1: 406 of 1,613,884 alleles (0.025%); highest among the groups gnomAD compares: African/African-American, 0.44%; no homozygotes.

Submissions (8):

PreventionGenetics, part of Exact Sciences
Classification: Likely benign for CLN6-related condition. Last evaluated: 2026-06-10. Review status: criteria provided, single submitter. Criteria: ACMG Guidelines, 2015. Collection method: clinical testing. Allele origin: germline.
Comment: This variant is classified as likely benign based on ACMG/AMP sequence variant interpretation guidelines (Richards et al. 2015 PMID: 25741868, with internal and published modifications).

Labcorp Genetics (formerly Invitae), Labcorp
Classification: Benign for Neuronal ceroid lipofuscinosis. Last evaluated: 2026-02-04. Review status: criteria provided, single submitter. Criteria: Invitae Variant Classification Sherloc (09022015). Collection method: clinical testing. Allele origin: germline.

Blueprint Genetics
Classification: Likely benign. Last evaluated: 2024-10-15. Review status: criteria provided, single submitter. Criteria: ACMG Guidelines, 2015. Collection method: clinical testing. Allele origin: germline.

Athena Diagnostics
Classification: Benign. Last evaluated: 2021-03-16. Review status: criteria provided, single submitter. Criteria: Athena Diagnostics criteria. Collection method: clinical testing. Allele origin: unknown.

Illumina Laboratory Services, Illumina
Classification: Uncertain significance for Neuronal ceroid lipofuscinosis. Last evaluated: 2018-01-12. Review status: criteria provided, single submitter. Criteria: ICSL Variant Classification Criteria 13 December 2019. Collection method: clinical testing. Allele origin: germline.

Ambry Genetics
Classification: Likely benign for Inborn genetic diseases. Last evaluated: 2017-12-18. Review status: criteria provided, single submitter. Criteria: Ambry Variant Classification Scheme 2023. Collection method: clinical testing. Allele origin: germline.

Eurofins Ntd Llc (ga)
Classification: Likely benign. Last evaluated: 2015-07-08. Review status: criteria provided, single submitter. Criteria: EGL Classification Definitions 2015. Collection method: clinical testing. Allele origin: germline. Observed: 1 variant allele, 1 heterozygote.

GeneDx
Classification: Benign. Last evaluated: 2013-02-05. Review status: criteria provided, single submitter. Criteria: GeneDx Variant Classification (06012015). Collection method: clinical testing. Allele origin: germline. Affected: yes.
Comment: This variant is considered likely benign or benign based on one or more of the following criteria: it is a conservative change, it occurs at a poorly conserved position in the protein, it is predicted to be benign by multiple in silico algorithms, and/or has population frequency not consistent with disease.